The following is an entry in ClinVar:

NM_002519.3(NPAT):c.865A>G (p.Thr289Ala)

Gene: NPAT (nuclear protein, coactivator of histone transcription; minus strand). Cytogenetic location: 11q22.3.
Variant type: single nucleotide variant.
Coding change: c.865A>G on transcript NM_002519.3 (MANE Select); coding-DNA position 865, A replaced by G.
Protein change: p.Thr289Ala; replaces threonine 289 with alanine.
Molecular consequence: missense variant.
Genome position (GRCh38, 1-based): chr11:108,185,273, T>C on the plus strand (A>G on the coding strand, the complement: NPAT is on the minus strand). VCF-style: chr11-108185273-T-C. GRCh37 (hg19) VCF-style: chr11-108056000-T-C.
Other names: c.865A>G, p.Thr289Ala (NM_001321307.1); short protein forms T289A.
Identifiers: ClinVar variation 2194264 (VCV002194264.4), dbSNP rs180844384, ClinGen allele CA6264160.

ClinVar aggregate classification (germline): Uncertain significance (1 of 4 stars; one submission).

Allele frequency attached by ClinVar (database versions not stated): gnomAD exomes 0.00003; ExAC 0.00010; gnomAD 0.00023; TOPMed 0.00028; 1000 Genomes Project 30x 0.00031; 1000 Genomes Project 0.00040; ESP Exome Variant Server 0.00059.
gnomAD v4.1: 82 of 1,612,422 alleles (0.0051%); highest among the groups gnomAD compares: African/African-American, 0.079%; no homozygotes.

Submission:

Labcorp Genetics (formerly Invitae), Labcorp
Classification: Uncertain significance. Last evaluated: 2025-02-13. Review status: criteria provided, single submitter. Criteria: Invitae Variant Classification Sherloc (09022015). Collection method: clinical testing. Allele origin: germline.
Comment: This sequence change replaces threonine, which is neutral and polar, with alanine, which is neutral and non-polar, at codon 289 of the NPAT protein (p.Thr289Ala). This variant is present in population databases (rs180844384, gnomAD 0.09%), and has an allele count higher than expected for a pathogenic variant. This variant has not been reported in the literature in individuals affected with NPAT-related conditions. ClinVar contains an entry for this variant (Variation ID: 2194264). An algorithm developed to predict the effect of missense changes on protein structure and function outputs the following: PolyPhen-2: "Benign". The alanine amino acid residue is found in multiple mammalian species, which suggests that this missense change does not adversely affect protein function. In summary, the available evidence is currently insufficient to determine the role of this variant in disease. Therefore, it has been classified as a Variant of Uncertain Significance.